The following is an entry in ClinVar:

ClinVar aggregate classification (germline): Uncertain significance (1 of 4 stars; one submission).

Submission:

Laboratorio de Genetica e Diagnostico Molecular, Hospital Israelita Albert Einstein
Classification: Uncertain significance. Last evaluated: 2019-12-15. Review status: criteria provided, single submitter. Criteria: ACMG Guidelines, 2015. Collection method: clinical testing. Allele origin: germline. Affected: yes.
Comment: ACMG classification criteria: PM2, BP4

NM_001364905.1(LRBA):c.767+3A>G

Gene: LRBA (LPS responsive beige-like anchor protein; minus strand). Cytogenetic location: 4q31.3.
Variant type: single nucleotide variant.
Coding change: c.767+3A>G on transcript NM_001364905.1 (MANE Select); 3 bases into the intron after coding-DNA position 767, A replaced by G.
Molecular consequence: intron variant.
Genome position (GRCh38, 1-based): chr4:150,916,614, T>C on the plus strand (A>G on the coding strand, the complement: LRBA is on the minus strand). VCF-style: chr4-150916614-T-C. GRCh37 (hg19) VCF-style: chr4-151837766-T-C.
Other names: c.767+3A>G (NM_001367550.1, NM_006726.5, NM_001199282.3 and 2 more transcripts).
Identifiers: ClinVar variation 1690743 (VCV001690743.2), dbSNP rs1463270756, ClinGen allele CA555970340.
Genomic context (GRCh38, chr4:150,916,614, plus strand): 5'-TCTAAATATTCTTCTCAGTTTCAAAGTAAGGTTTTAACACTAATCAGTTACAGAAATACA[T>C]ACCAATACAAATATGGTTTATCCTTATCTACATTGATGTTATTTACAGGATCCATTCTAA-3'